The following is an entry in ClinVar:

ClinVar aggregate classification (germline): Pathogenic (1 of 4 stars; one submission).

Conditions:
UGT1A1-related disorder. Also called: UGT1A1-related disorders; UGT1A1-related condition.

gnomAD v4.1: 3 of 1,614,026 alleles (0.00019%); highest among the groups gnomAD compares: Non-Finnish European, 0.00025%; no homozygotes.

Submission:

PreventionGenetics, part of Exact Sciences
Classification: Pathogenic for UGT1A1-related condition. Last evaluated: 2025-01-03. Review status: criteria provided, single submitter. Criteria: ACMG Guidelines, 2015. Collection method: clinical testing. Allele origin: germline.
Comment: The UGT1A1 c.865-1G>A variant is predicted to disrupt the AG splice acceptor site and interfere with normal splicing. This variant has been reported in an individual with Crigler-Najjar syndrome 2 (Servedio et al. 2005. PubMed ID: 15712364). This variant is reported in 0.00090% of alleles in individuals of European (Non-Finnish) descent in gnomAD. Variants that disrupt the consensus splice acceptor site in UGT1A1 are expected to be pathogenic. This variant is interpreted as pathogenic.

NM_000463.3(UGT1A1):c.865-1G>A

Genes: UGT1A (UDP glucuronosyltransferase family 1 member A complex locus; plus strand), UGT1A1 (UDP glucuronosyltransferase family 1 member A1; plus strand), UGT1A10 (UDP glucuronosyltransferase family 1 member A10; plus strand), UGT1A3 (UDP glucuronosyltransferase family 1 member A3; plus strand), UGT1A4 (UDP glucuronosyltransferase family 1 member A4; plus strand) and 5 more. Cytogenetic location: 2q37.1.
Variant type: single nucleotide variant.
Coding change: c.865-1G>A on transcript NM_000463.3 (MANE Select); the canonical splice acceptor site of the intron before coding-DNA position 865, G replaced by A.
Molecular consequence: splice acceptor variant.
Genome position (GRCh38, 1-based): chr2:233,767,033, G>A. VCF-style: chr2-233767033-G-A. GRCh37 (hg19) VCF-style: chr2-234675679-G-A.
Other names: c.856-1G>A (NM_019076.5, NM_019075.4, NM_021027.3 and 1 more transcripts); c.61-1G>A (NM_205862.3); c.862-1G>A (NM_001072.4); c.868-1G>A (NM_019078.2, NM_007120.3, NM_019093.4).
Identifiers: ClinVar variation 4984946 (VCV004984946.1).